The following is an entry in ClinVar:

NM_000350.3(ABCA4):c.3799A>G (p.Thr1267Ala)

Genes: ABCA4 (ATP binding cassette subfamily A member 4; minus strand), LOC126805794 (BRD4-independent group 4 enhancer GRCh37_chr1:94502188-94503387; plus strand). Cytogenetic location: 1p22.1.
Variant type: single nucleotide variant.
Coding change: c.3799A>G on transcript NM_000350.3 (MANE Select); coding-DNA position 3799, A replaced by G.
Protein change: p.Thr1267Ala; replaces threonine 1267 with alanine.
Molecular consequence: missense variant.
Genome position (GRCh38, 1-based): chr1:94,037,159, T>C on the plus strand (A>G on the coding strand, the complement: ABCA4 is on the minus strand). VCF-style: chr1-94037159-T-C. GRCh37 (hg19) VCF-style: chr1-94502715-T-C.
Other names: c.3577A>G, p.Thr1193Ala (NM_001425324.1); short protein forms T1193A, T1267A.
Identifiers: ClinVar variation 4847277 (VCV004847277.1).

ClinVar aggregate classification (germline): Uncertain significance (1 of 4 stars; one submission).

Submission:

Women's Health and Genetics/Laboratory Corporation of America, LabCorp
Classification: Uncertain significance. Last evaluated: 2026-03-12. Review status: criteria provided, single submitter. Criteria: LabCorp Variant Classification Summary - May 2015. Collection method: clinical testing. Allele origin: germline.
Comment: Variant summary: ABCA4 c.3799A>G (p.Thr1267Ala) results in a non-conservative amino acid change in the encoded protein sequence. Algorithms developed to predict the effect of missense changes on protein structure and function all suggest that this variant is likely to be disruptive. The variant was absent in 251406 control chromosomes. The available data on variant occurrences in the general population are insufficient to allow any conclusion about variant significance. c.3799A>G has been observed in one individual affected with clinical features of ABCA4-associated retinal disease (Fenner_2024). These data do not allow any conclusion about variant significance. To our knowledge, no experimental evidence demonstrating an impact on protein function has been reported. The following publication have been ascertained in the context of this evaluation (PMID: 38309476). No submitters have cited clinical-significance assessments for this variant to ClinVar. Based on the evidence outlined above, the variant was classified as uncertain significance.

Literature cited by the submitters: PubMed 38309476.